The following is an entry in ClinVar:

NM_000384.3(APOB):c.5658T>C (p.Asn1886=)

Gene: APOB (apolipoprotein B; minus strand). Cytogenetic location: 2p24.1.
Variant type: single nucleotide variant.
Coding change: c.5658T>C on transcript NM_000384.3 (MANE Select); coding-DNA position 5658, T replaced by C.
Protein change: p.Asn1886=; no amino-acid change (asparagine 1886 retained).
Molecular consequence: synonymous variant.
Genome position (GRCh38, 1-based): chr2:21,011,210, A>G on the plus strand (T>C on the coding strand, the complement: APOB is on the minus strand). VCF-style: chr2-21011210-A-G. GRCh37 (hg19) VCF-style: chr2-21234082-A-G.
Other names: c.5658T>C (NM_000384.2).
Identifiers: ClinVar variation 2451300 (VCV002451300.3), dbSNP rs1663310154, ClinGen allele CA425346348.

ClinVar aggregate classification (germline): Likely benign. Review status: criteria provided, multiple submitters, no conflicts (2 of 4 stars). 2 submissions from 2 submitters: Likely benign (2). Last evaluated 2025-04-11.

Conditions:
Cardiovascular phenotype. Identifiers: MedGen CN230736.
Familial hypercholesterolemia. Also called: Familial hypercholesterolaemia. Identifiers: MedGen C0020445, MONDO:0005439.

Submissions (2):

GENinCode PLC
Classification: Likely benign for Familial hypercholesterolemia. Last evaluated: 2025-04-11. Review status: criteria provided, single submitter. Criteria: ACMG Guidelines, 2015. Collection method: clinical testing. Allele origin: germline.
Comment: This is a synonymous (silent) variant that is not predicted to impact splicing and occurs at a nucleotide which is not highly conserved. This variant has been classified as Likely Benign (BP4, BP7).

Ambry Genetics
Classification: Likely benign for Cardiovascular phenotype. Last evaluated: 2022-12-19. Review status: criteria provided, single submitter. Criteria: Ambry Variant Classification Scheme 2023. Collection method: clinical testing. Allele origin: germline.